The following is an entry in ClinVar:

ClinVar aggregate classification (germline): Likely benign. Review status: criteria provided, multiple submitters, no conflicts (2 of 4 stars). 3 submissions from 3 submitters: Likely benign (3). Last evaluated 2025-01-15.

Conditions:
Idiopathic generalized epilepsy. Also called: EIG; Generalised epilepsy. Identifiers: MedGen C0270850, MONDO:0005579, OMIM 600669.
Hyperaldosteronism, familial, type IV (HALD4). Also called: FH IV; ALDOSTERONISM, PRIMARY, AND HYPERTENSION. Identifiers: Orphanet 642671, MedGen C4310756, MONDO:0014875, OMIM 617027.

Allele frequency attached by ClinVar (database versions not stated): TOPMed 0.00009; gnomAD exomes 0.00013 and 0.00025; ExAC 0.00020; gnomAD 0.00020 and 0.00021.
gnomAD v4.1: 235 of 1,612,340 alleles (0.015%); highest among the groups gnomAD compares: Middle Eastern, 0.016%; no homozygotes.

Submissions (3):

Labcorp Genetics (formerly Invitae), Labcorp
Classification: Likely benign for Idiopathic generalized epilepsy; Hyperaldosteronism, familial, type IV. Last evaluated: 2025-01-15. Review status: criteria provided, single submitter. Criteria: Invitae Variant Classification Sherloc (09022015). Collection method: clinical testing. Allele origin: germline.

Blueprint Genetics
Classification: Likely benign. Last evaluated: 2024-08-26. Review status: criteria provided, single submitter. Criteria: ACMG Guidelines, 2015. Collection method: clinical testing. Allele origin: germline.

CeGaT Center for Human Genetics Tuebingen
Classification: Likely benign. Last evaluated: 2023-05-01. Review status: criteria provided, single submitter. Criteria: CeGaT Center For Human Genetics Tuebingen Variant Classification Criteria Version 2. Collection method: clinical testing. Allele origin: germline. Affected: yes. Observed: 1 variant allele.
Comment: CACNA1H: BS1

NM_021098.3(CACNA1H):c.4378G>A (p.Glu1460Lys)

Gene: CACNA1H (calcium voltage-gated channel subunit alpha1 H; plus strand). Cytogenetic location: 16p13.3.
Variant type: single nucleotide variant.
Coding change: c.4378G>A on transcript NM_021098.3 (MANE Select); coding-DNA position 4378, G replaced by A.
Protein change: p.Glu1460Lys; replaces glutamic acid 1460 with lysine.
Molecular consequence: missense variant.
Genome position (GRCh38, 1-based): chr16:1,211,508, G>A. VCF-style: chr16-1211508-G-A. GRCh37 (hg19) VCF-style: chr16-1261508-G-A.
Other names: c.4378G>A, p.Glu1460Lys (NM_001005407.2); short protein forms E1460K.
Identifiers: ClinVar variation 460115 (VCV000460115.36), dbSNP rs755817927, ClinGen allele CA7801314.